The following is an entry in ClinVar:

NM_001267550.2(TTN):c.51134T>C (p.Ile17045Thr)

Genes: TTN-AS1 (TTN antisense RNA 1; plus strand), TTN (titin; minus strand). Cytogenetic location: 2q31.2.
Variant type: single nucleotide variant.
Coding change: c.51134T>C on transcript NM_001267550.2 (MANE Select); coding-DNA position 51134, T replaced by C.
Protein change: p.Ile17045Thr; replaces isoleucine 17045 with threonine.
Molecular consequence: missense variant.
Genome position (GRCh38, 1-based): chr2:178,610,995, A>G on the plus strand (T>C on the coding strand, the complement: TTN is on the minus strand). VCF-style: chr2-178610995-A-G. GRCh37 (hg19) VCF-style: chr2-179475722-A-G.
Other names: p.I15404T:ATA>ACA; c.46211T>C, p.Ile15404Thr (NM_001256850.1); c.23939T>C, p.Ile7980Thr (NM_003319.4); c.43430T>C, p.Ile14477Thr (NM_133378.4); c.24314T>C, p.Ile8105Thr (NM_133432.3); c.24515T>C, p.Ile8172Thr (NM_133437.4); c.51134T>C (NM_001267550.1); short protein forms I15404T, I17045T, I14477T, I7980T, I8105T, I8172T.
Identifiers: ClinVar variation 202690 (VCV000202690.4), dbSNP rs111933113, ClinGen allele CA309992.

ClinVar aggregate classification (germline): Conflicting classifications of pathogenicity. Review status: criteria provided, conflicting classifications (1 of 4 stars). 2 submissions from 2 submitters: Uncertain significance (1); Likely benign (1). Last evaluated 2025-10-08.

Allele frequency attached by ClinVar (database versions not stated): gnomAD exomes 0.00001 and 0.00002; gnomAD 0.00001; 1000 Genomes Project 0.00020; ExAC 0.00002; 1000 Genomes Project 30x 0.00031.
gnomAD v4.1: 15 of 1,611,936 alleles (0.00093%); highest among the groups gnomAD compares: East Asian, 0.0045%; no homozygotes.

Submissions (2):

Athena Diagnostics
Classification: Uncertain significance. Last evaluated: 2025-10-08. Review status: criteria provided, single submitter. Criteria: Athena Diagnostics Criteria. Collection method: clinical testing. Allele origin: unknown.
Comment: Available data are insufficient to determine the clinical significance of the variant at this time. The frequency of this variant in the general population is uninformative in assessment of its pathogenicity. Polyphen and MutationTaster predict this amino acid change may be benign.

GeneDx
Classification: Likely benign. Last evaluated: 2018-03-30. Review status: criteria provided, single submitter. Criteria: GeneDx Variant Classification Process June 2021. Collection method: clinical testing. Allele origin: germline. Affected: yes.